The following is an entry in ClinVar:

ClinVar aggregate classification (germline): Uncertain significance (1 of 4 stars; one submission).

Conditions:
Lethal congenital glycogen storage disease of heart. Also called: GLYCOGEN STORAGE DISEASE OF HEART; PHOSPHORYLASE KINASE DEFICIENCY OF HEART. Identifiers: Orphanet 439854, MedGen C1849813, MONDO:0009867, OMIM 261740.

Allele frequency attached by ClinVar (database versions not stated): gnomAD exomes below 0.00001.
gnomAD v4.1: 1 of 1,613,278 alleles (0.000062%); highest among the groups gnomAD compares: Non-Finnish European, 0.000085%; no homozygotes.

Submission:

Labcorp Genetics (formerly Invitae), Labcorp
Classification: Uncertain significance for Lethal congenital glycogen storage disease of heart. Last evaluated: 2023-10-28. Review status: criteria provided, single submitter. Criteria: Invitae Variant Classification Sherloc (09022015). Collection method: clinical testing. Allele origin: germline.
Comment: This sequence change replaces isoleucine, which is neutral and non-polar, with valine, which is neutral and non-polar, at codon 324 of the PRKAG2 protein (p.Ile324Val). This variant is not present in population databases (gnomAD no frequency). This variant has not been reported in the literature in individuals affected with PRKAG2-related conditions. Advanced modeling of protein sequence and biophysical properties (such as structural, functional, and spatial information, amino acid conservation, physicochemical variation, residue mobility, and thermodynamic stability) has been performed at Invitae for this missense variant, however the output from this modeling did not meet the statistical confidence thresholds required to predict the impact of this variant on PRKAG2 protein function. In summary, the available evidence is currently insufficient to determine the role of this variant in disease. Therefore, it has been classified as a Variant of Uncertain Significance.

NM_016203.4(PRKAG2):c.970A>G (p.Ile324Val)

Gene: PRKAG2 (protein kinase AMP-activated non-catalytic subunit gamma 2; minus strand). Cytogenetic location: 7q36.1.
Variant type: single nucleotide variant.
Coding change: c.970A>G on transcript NM_016203.4 (MANE Select); coding-DNA position 970, A replaced by G.
Protein change: p.Ile324Val; replaces isoleucine 324 with valine.
Molecular consequence: missense variant.
Genome position (GRCh38, 1-based): chr7:151,574,926, T>C on the plus strand (A>G on the coding strand, the complement: PRKAG2 is on the minus strand). VCF-style: chr7-151574926-T-C. GRCh37 (hg19) VCF-style: chr7-151272012-T-C.
Other names: c.838A>G, p.Ile280Val (NM_001040633.2, NM_001407024.1); c.595A>G, p.Ile199Val (NM_001304527.2, NM_001407029.1); c.247A>G, p.Ile83Val (NM_001304531.2, NM_001407034.1, NM_001407035.1 and 1 more transcripts); c.598A>G, p.Ile200Val (NM_001363698.2, NM_001407028.1); c.970A>G, p.Ile324Val (NM_001407021.1); c.967A>G, p.Ile323Val (NM_001407022.1, NM_001407023.1); c.835A>G, p.Ile279Val (NM_001407026.1, NM_001407027.1); c.682A>G, p.Ile228Val (NM_001407030.1); and 6 more; short protein forms I199V, I323V, I83V, I99V, I200V, I228V, I279V, I324V.
Identifiers: ClinVar variation 2772437 (VCV002772437.3), dbSNP rs2536394749, ClinGen allele CA370072297.
Genomic context (GRCh38, chr7:151,574,926, plus strand): 5'-TGACATAGGAACTGGTGCCACTTACCATAGGTGATTTATAGTATCTATGTAGTATATTTA[T>C]GAAATCTGTAATTGTTAGCATTCCTGGAACAAAGAATTACATGTTACAAATAAAACCATG-3'
Protein context (NP_057287.2, residues 314-334): FVGMLTITDF[Ile324Val]NILHRYYKSP